The following is an entry in ClinVar:

NM_003482.4(KMT2D):c.13141G>A (p.Asp4381Asn)

Gene: KMT2D (lysine methyltransferase 2D; minus strand). Cytogenetic location: 12q13.12.
Variant type: single nucleotide variant.
Coding change: c.13141G>A on transcript NM_003482.4 (MANE Select); coding-DNA position 13141, G replaced by A.
Protein change: p.Asp4381Asn; replaces aspartic acid 4381 with asparagine.
Molecular consequence: missense variant.
Genome position (GRCh38, 1-based): chr12:49,031,564, C>T on the plus strand (G>A on the coding strand, the complement: KMT2D is on the minus strand). VCF-style: chr12-49031564-C-T. GRCh37 (hg19) VCF-style: chr12-49425347-C-T.
Other names: short protein forms D4381N.
Identifiers: ClinVar variation 3635107 (VCV003635107.2).

ClinVar aggregate classification (germline): Uncertain significance (1 of 4 stars; one submission).

Conditions:
Kabuki syndrome. Also called: NIIKAWA-KUROKI SYNDROME; Kabuki make-up syndrome. Identifiers: Orphanet 2322, MedGen C0796004, MONDO:0016512.

Submission:

Labcorp Genetics (formerly Invitae), Labcorp
Classification: Uncertain significance for Kabuki syndrome. Last evaluated: 2024-05-21. Review status: criteria provided, single submitter. Criteria: Invitae Variant Classification Sherloc (09022015). Collection method: clinical testing. Allele origin: germline.
Comment: This sequence change replaces aspartic acid, which is acidic and polar, with asparagine, which is neutral and polar, at codon 4381 of the KMT2D protein (p.Asp4381Asn). This variant is not present in population databases (gnomAD no frequency). This variant has not been reported in the literature in individuals affected with KMT2D-related conditions. Advanced modeling of protein sequence and biophysical properties (such as structural, functional, and spatial information, amino acid conservation, physicochemical variation, residue mobility, and thermodynamic stability) performed at Invitae indicates that this missense variant is not expected to disrupt KMT2D protein function with a negative predictive value of 95%. In summary, the available evidence is currently insufficient to determine the role of this variant in disease. Therefore, it has been classified as a Variant of Uncertain Significance.